The following is an entry in ClinVar:

NM_001130823.3(DNMT1):c.11G>A (p.Arg4His)

Genes: DNMT1 (DNA methyltransferase 1; minus strand), LOC130063472 (ATAC-STARR-seq lymphoblastoid silent region 10057; plus strand). Cytogenetic location: 19p13.2.
Variant type: single nucleotide variant.
Coding change: c.11G>A on transcript NM_001130823.3 (MANE Select); coding-DNA position 11, G replaced by A.
Protein change: p.Arg4His; replaces arginine 4 with histidine.
Molecular consequence: missense variant. On other transcripts: 5 prime UTR variant (1).
Genome position (GRCh38, 1-based): chr19:10,194,889, C>T on the plus strand (G>A on the coding strand, the complement: DNMT1 is on the minus strand). VCF-style: chr19-10194889-C-T. GRCh37 (hg19) VCF-style: chr19-10305565-C-T.
Other names: c.11G>A, p.Arg4His (NM_001318730.2, NM_001379.4); c.-313G>A (NM_001318731.2); short protein forms R4H.
Identifiers: ClinVar variation 3650959 (VCV003650959.3).

ClinVar aggregate classification (germline): Uncertain significance. Review status: criteria provided, multiple submitters, no conflicts (2 of 4 stars). 2 submissions from 2 submitters: Uncertain significance (2). Last evaluated 2026-06-18.

Conditions:
Hereditary sensory neuropathy-deafness-dementia syndrome. Also called: HSN IE; NEUROPATHY, HEREDITARY SENSORY, WITH HEARING LOSS AND DEMENTIA; Hereditary sensory neuropathy type IE; Hereditary Sensory and Autonomic Neuropathy Type 1E (HSAN1E). Identifiers: Orphanet 456318, MedGen C3279885, MONDO:0013584, OMIM 614116.

gnomAD v4.1: 3 of 1,609,198 alleles (0.00019%); highest among the groups gnomAD compares: South Asian, 0.0033%; no homozygotes.

Submissions (2):

Women's Health and Genetics/Laboratory Corporation of America, LabCorp
Classification: Uncertain significance. Last evaluated: 2026-06-18. Review status: criteria provided, single submitter. Criteria: LabCorp Variant Classification Summary - May 2015. Collection method: clinical testing. Allele origin: germline.
Comment: Variant summary: DNMT1 c.11G>A (p.Arg4His) results in a non-conservative amino acid change in the encoded protein sequence. Algorithms developed to predict the effect of missense changes on protein structure and function are either unavailable or do not agree on the potential impact of this missense change. The variant was absent in 232604 control chromosomes. The available data on variant occurrences in the general population are insufficient to allow any conclusion about variant significance. To our knowledge, no occurrence of c.11G>A in individuals affected with DNMT1-related conditions and no experimental evidence demonstrating its impact on protein function have been reported. ClinVar contains an entry for this variant (Variation ID: 3650959). Based on the evidence outlined above, the variant was classified as uncertain significance.

Labcorp Genetics (formerly Invitae), Labcorp
Classification: Uncertain significance for Hereditary sensory neuropathy-deafness-dementia syndrome. Last evaluated: 2025-01-01. Review status: criteria provided, single submitter. Criteria: Invitae Variant Classification Sherloc (09022015). Collection method: clinical testing. Allele origin: germline.
Comment: This sequence change replaces arginine, which is basic and polar, with histidine, which is basic and polar, at codon 4 of the DNMT1 protein (p.Arg4His). This variant is not present in population databases (gnomAD no frequency). This variant has not been reported in the literature in individuals affected with DNMT1-related conditions. An algorithm developed to predict the effect of missense changes on protein structure and function (PolyPhen-2) suggests that this variant is likely to be disruptive. In summary, the available evidence is currently insufficient to determine the role of this variant in disease. Therefore, it has been classified as a Variant of Uncertain Significance.